The following is an entry in ClinVar:

ClinVar aggregate classification (germline): Uncertain significance (1 of 4 stars; one submission).

Conditions:
Inborn genetic diseases. Identifiers: MedGen C0950123, MeSH D030342.

Submission:

Ambry Genetics
Classification: Uncertain significance for Inborn genetic diseases. Last evaluated: 2025-04-18. Review status: criteria provided, single submitter. Criteria: Ambry Variant Classification Scheme 2023. Collection method: clinical testing. Allele origin: germline.
Comment: The p.L339Q variant (also known as c.1016T>A), located in coding exon 5 of the RECQL4 gene, results from a T to A substitution at nucleotide position 1016. The leucine at codon 339 is replaced by glutamine, an amino acid with dissimilar properties. This amino acid position is conserved. In addition, this alteration is predicted to be tolerated by in silico analysis. Based on the available evidence, the clinical significance of this variant remains unclear.

NM_004260.4(RECQL4):c.1016T>A (p.Leu339Gln)

Gene: RECQL4 (RecQ like helicase 4; minus strand). Cytogenetic location: 8q24.3.
Variant type: single nucleotide variant.
Coding change: c.1016T>A on transcript NM_004260.4 (MANE Select); coding-DNA position 1016, T replaced by A.
Protein change: p.Leu339Gln; replaces leucine 339 with glutamine.
Molecular consequence: missense variant. On other transcripts: 5 prime UTR variant (16), non-coding transcript variant (3), intron variant (3).
Genome position (GRCh38, 1-based): chr8:144,516,103, A>T on the plus strand (T>A on the coding strand, the complement: RECQL4 is on the minus strand). VCF-style: chr8-144516103-A-T. GRCh37 (hg19) VCF-style: chr8-145741487-A-T.
Other names: c.1016T>A, p.Leu339Gln (NM_001413018.1, NM_001413019.1, NM_001413033.1 and 2 more transcripts); c.-56T>A (NM_001413021.1, NM_001413022.1, NM_001413023.1 and 7 more transcripts); c.887T>A, p.Leu296Gln (NM_001413025.1); c.-118T>A (NM_001413027.1, NM_001413030.1, NM_001413031.1 and 2 more transcripts); c.665T>A, p.Leu222Gln (NM_001413029.1); c.-325T>A (NM_001413043.1); c.954-34T>A (NM_001413017.1, NM_001413020.1); c.-22-34T>A (NM_001413034.1); short protein forms L222Q, L296Q, L339Q.
Identifiers: ClinVar variation 3944288 (VCV003944288.1).